The following is an entry in ClinVar:

ClinVar aggregate classification (germline): Uncertain significance (1 of 4 stars; one submission).

Conditions:
Neuropathy, hereditary sensory, type 2C. Also called: Hereditary sensory and autonomic neuropathy type IIC; KIF1A-Related HSAN2 (HSAN2C). Identifiers: Orphanet 970, MedGen C3280168, MONDO:0013634, OMIM 614213.
Intellectual disability, autosomal dominant 9 (NESCAVS). Also called: KIF1A-Related Neurodevelopmental Disorder; NESCAV SYNDROME. Identifiers: Orphanet 662367, MedGen C5393830, MONDO:0013656, OMIM 614255.
Hereditary spastic paraplegia 30. Identifiers: Orphanet 101010, MedGen C5235139, MONDO:0012476.

Allele frequency attached by ClinVar (database versions not stated): gnomAD exomes below 0.00001.
gnomAD v4.1: 2 of 1,551,934 alleles (0.00013%); highest among the groups gnomAD compares: Non-Finnish European, 0.00017%; no homozygotes.

Submission:

Labcorp Genetics (formerly Invitae), Labcorp
Classification: Uncertain significance for Hereditary spastic paraplegia 30; Neuropathy, hereditary sensory, type 2C; Intellectual disability, autosomal dominant 9. Last evaluated: 2020-09-03. Review status: criteria provided, single submitter. Criteria: Invitae Variant Classification Sherloc (09022015). Collection method: clinical testing. Allele origin: germline.
Comment: This sequence change replaces glutamic acid with lysine at codon 1378 of the KIF1A protein (p.Glu1378Lys). The glutamic acid residue is highly conserved and there is a small physicochemical difference between glutamic acid and lysine. This variant is not present in population databases (ExAC no frequency). This variant has not been reported in the literature in individuals with KIF1A-related conditions. Algorithms developed to predict the effect of missense changes on protein structure and function are either unavailable or do not agree on the potential impact of this missense change (SIFT: "Deleterious"; PolyPhen-2: "Possibly Damaging"; Align-GVGD: "Class C0"). In summary, the available evidence is currently insufficient to determine the role of this variant in disease. Therefore, it has been classified as a Variant of Uncertain Significance.

NM_001244008.2(KIF1A):c.4435G>A (p.Glu1479Lys)

Gene: KIF1A (kinesin family member 1A; minus strand). Cytogenetic location: 2q37.3.
Variant type: single nucleotide variant.
Coding change: c.4435G>A on transcript NM_001244008.2 (MANE Select); coding-DNA position 4435, G replaced by A.
Protein change: p.Glu1479Lys; replaces glutamic acid 1479 with lysine.
Molecular consequence: missense variant.
Genome position (GRCh38, 1-based): chr2:240,723,442, C>T on the plus strand (G>A on the coding strand, the complement: KIF1A is on the minus strand). VCF-style: chr2-240723442-C-T. GRCh37 (hg19) VCF-style: chr2-241662859-C-T.
Other names: c.4159G>A, p.Glu1387Lys (NM_001320705.2, NM_001379649.1); c.4186G>A, p.Glu1396Lys (NM_001330289.2); c.4234G>A, p.Glu1412Lys (NM_001330290.2, NM_001379648.1); c.4510G>A, p.Glu1504Lys (NM_001379631.1); c.4411G>A, p.Glu1471Lys (NM_001379632.1); c.4408G>A, p.Glu1470Lys (NM_001379633.1, NM_001379645.1); c.4261G>A, p.Glu1421Lys (NM_001379634.1); c.4258G>A, p.Glu1420Lys (NM_001379635.1, NM_001379646.1); and 7 more; short protein forms E1377K, E1378K, E1386K, E1387K, E1395K, E1396K, E1403K, E1412K.
Identifiers: ClinVar variation 1020587 (VCV001020587.9), dbSNP rs2045639682, ClinGen allele CA351305123.